The following is an entry in ClinVar:

NM_001164508.2(NEB):c.1806A>T (p.Glu602Asp)

Gene: NEB (nebulin; minus strand). Cytogenetic location: 2q23.3.
Variant type: single nucleotide variant.
Coding change: c.1806A>T on transcript NM_001164508.2 (MANE Select); coding-DNA position 1806, A replaced by T.
Protein change: p.Glu602Asp; replaces glutamic acid 602 with aspartic acid.
Molecular consequence: missense variant.
Genome position (GRCh38, 1-based): chr2:151,694,413, T>A on the plus strand (A>T on the coding strand, the complement: NEB is on the minus strand). VCF-style: chr2-151694413-T-A. GRCh37 (hg19) VCF-style: chr2-152550927-T-A.
Other names: c.1806A>T, p.Glu602Asp (NM_001164507.2, NM_001271208.2, NM_004543.5); short protein forms E602D.
Identifiers: ClinVar variation 3655162 (VCV003655162.2).

ClinVar aggregate classification (germline): Uncertain significance (1 of 4 stars; one submission).

Conditions:
Nemaline myopathy 2 (NEM2). Also called: Nemaline myopathy 2, autosomal recessive. Identifiers: MedGen C1850569, MONDO:0009725, OMIM 256030.

Submission:

Labcorp Genetics (formerly Invitae), Labcorp
Classification: Uncertain significance for Nemaline myopathy 2. Last evaluated: 2024-06-08. Review status: criteria provided, single submitter. Criteria: Invitae Variant Classification Sherloc (09022015). Collection method: clinical testing. Allele origin: germline.
Comment: This sequence change replaces glutamic acid, which is acidic and polar, with aspartic acid, which is acidic and polar, at codon 602 of the NEB protein (p.Glu602Asp). This variant is not present in population databases (gnomAD no frequency). This variant has not been reported in the literature in individuals affected with NEB-related conditions. Experimental studies and prediction algorithms are not available or were not evaluated, and the functional significance of this variant is currently unknown. In summary, the available evidence is currently insufficient to determine the role of this variant in disease. Therefore, it has been classified as a Variant of Uncertain Significance.